The following is an entry in ClinVar:

NM_001611.5(ACP5):c.922G>A (p.Glu308Lys)

Gene: ACP5 (acid phosphatase 5, tartrate resistant; minus strand). Cytogenetic location: 19p13.2.
Variant type: single nucleotide variant.
Coding change: c.922G>A on transcript NM_001611.5 (MANE Select); coding-DNA position 922, G replaced by A.
Protein change: p.Glu308Lys; replaces glutamic acid 308 with lysine.
Molecular consequence: missense variant.
Genome position (GRCh38, 1-based): chr19:11,575,066, C>T on the plus strand (G>A on the coding strand, the complement: ACP5 is on the minus strand). VCF-style: chr19-11575066-C-T. GRCh37 (hg19) VCF-style: chr19-11685881-C-T.
Other names: c.922G>A, p.Glu308Lys (NM_001111034.3, NM_001111035.3, NM_001111036.3 and 1 more transcripts); short protein forms E308K.
Identifiers: ClinVar variation 2171933 (VCV002171933.4), dbSNP rs576211897, ClinGen allele CA9215293.

ClinVar aggregate classification (germline): Uncertain significance (1 of 4 stars; one submission).

Conditions:
Spondyloenchondrodysplasia with immune dysregulation (SPENCDI). Also called: ROIFMAN IMMUNOSKELETAL SYNDROME; SPONDYLOENCHONDRODYSPLASIA WITH OR WITHOUT IMMUNE DYSREGULATION; COMBINED IMMUNODEFICIENCY WITH AUTOIMMUNITY AND SPONDYLOMETAPHYSEAL DYSPLASIA. Identifiers: Orphanet 1855, MedGen C1842763, MONDO:0011939, OMIM 607944.

Allele frequency attached by ClinVar (database versions not stated): ExAC 0.00001; gnomAD 0.00002; TOPMed 0.00003; 1000 Genomes Project 0.00020; 1000 Genomes Project 30x 0.00031.
gnomAD v4.1: 11 of 1,614,124 alleles (0.00068%); highest among the groups gnomAD compares: African/African-American, 0.0053%; no homozygotes.

Submission:

Labcorp Genetics (formerly Invitae), Labcorp
Classification: Uncertain significance for Spondyloenchondrodysplasia with immune dysregulation. Last evaluated: 2024-07-17. Review status: criteria provided, single submitter. Criteria: Invitae Variant Classification Sherloc (09022015). Collection method: clinical testing. Allele origin: germline.
Comment: This sequence change replaces glutamic acid, which is acidic and polar, with lysine, which is basic and polar, at codon 308 of the ACP5 protein (p.Glu308Lys). This variant is present in population databases (rs576211897, gnomAD 0.007%). This variant has not been reported in the literature in individuals affected with ACP5-related conditions. ClinVar contains an entry for this variant (Variation ID: 2171933). Advanced modeling of protein sequence and biophysical properties (such as structural, functional, and spatial information, amino acid conservation, physicochemical variation, residue mobility, and thermodynamic stability) performed at Invitae indicates that this missense variant is not expected to disrupt ACP5 protein function with a negative predictive value of 80%. In summary, the available evidence is currently insufficient to determine the role of this variant in disease. Therefore, it has been classified as a Variant of Uncertain Significance.